The following is an entry in ClinVar:

ClinVar aggregate classification (germline): Uncertain significance. Review status: criteria provided, multiple submitters, no conflicts (2 of 4 stars). 3 submissions from 3 submitters: Uncertain significance (3). Last evaluated 2024-12-02.

Conditions:
Familial thoracic aortic aneurysm and aortic dissection (TAAD). Also called: Thoracic aortic aneurysms and dissections. Identifiers: Orphanet 91387, MedGen C4707243, MONDO:0019625.
Marfan syndrome (MFS). Also called: MARFAN SYNDROME, TYPE I; Marfan syndrome type 1; Marfan's syndrome; FBN1-Related Marfan Syndrome; Marfan syndrome, classic. Identifiers: Orphanet 284963, Orphanet 558, MedGen C0024796, MONDO:0007947, OMIM 154700.

Submissions (3):

GeneDx
Classification: Uncertain significance. Last evaluated: 2024-12-02. Review status: criteria provided, single submitter. Criteria: GeneDx Variant Classification Process June 2021. Collection method: clinical testing. Allele origin: germline. Affected: yes.
Comment: Not observed at significant frequency in large population cohorts (gnomAD); In silico analysis supports that this missense variant has a deleterious effect on protein structure/function; Has not been previously published as pathogenic or benign to our knowledge; Does not affect a cysteine or calcium-binding residue within an EGF-like domain or a TGF-binding protein domain of the FBN1 gene; cysteine substitutions in the EGF-like domains represent the majority of pathogenic missense changes associated with FBN1-related disorders (PMID: 12938084); This variant is associated with the following publications: (PMID: 12938084)

All of Us Research Program, National Institutes of Health
Classification: Uncertain significance for Marfan syndrome. Last evaluated: 2024-06-09. Review status: criteria provided, single submitter. Criteria: ACMG Guidelines, 2015. Collection method: clinical testing. Allele origin: germline. Inheritance: Autosomal dominant inheritance. Observed: 1 variant allele, 1 heterozygote.
Comment: This missense variant replaces asparagine with histidine at codon 751 of the FBN1 protein. Computational prediction is inconclusive regarding the impact of this variant on protein structure and function (internally defined REVEL score threshold 0.5 < inconclusive < 0.7, PMID: 27666373). To our knowledge, functional studies have not been reported for this variant. This variant has not been reported in individuals affected with FBN1-related disorders in the literature. This variant has not been identified in the general population by the Genome Aggregation Database (gnomAD). The available evidence is insufficient to determine the role of this variant in disease conclusively. Therefore, this variant is classified as a Variant of Uncertain Significance.

This study involves interpretation of variants in research participants for the purpose of population health screening. Participant phenotype was not available at the time of variant classification. Additional details can be found in publication PMID: 35346344, PMCID: PMC8962531

Color Diagnostics, LLC DBA Color Health
Classification: Uncertain significance for Familial thoracic aortic aneurysm and aortic dissection. Last evaluated: 2024-05-21. Review status: criteria provided, single submitter. Criteria: ACMG Guidelines, 2015. Collection method: clinical testing. Allele origin: germline.
Comment: This missense variant replaces asparagine with histidine at codon 751 of the FBN1 protein. Computational prediction is inconclusive regarding the impact of this variant on protein structure and function. To our knowledge, functional studies have not been reported for this variant. This variant has not been reported in individuals affected with FBN1-related disorders in the literature. This variant has not been identified in the general population by the Genome Aggregation Database (gnomAD). The available evidence is insufficient to determine the role of this variant in disease conclusively. Therefore, this variant is classified as a Variant of Uncertain Significance.

NM_000138.5(FBN1):c.2251A>C (p.Asn751His)

Gene: FBN1 (fibrillin 1; minus strand). Cytogenetic location: 15q21.1.
Variant type: single nucleotide variant.
Coding change: c.2251A>C on transcript NM_000138.5 (MANE Select); coding-DNA position 2251, A replaced by C.
Protein change: p.Asn751His; replaces asparagine 751 with histidine.
Molecular consequence: missense variant.
Genome position (GRCh38, 1-based): chr15:48,497,308, T>G on the plus strand (A>C on the coding strand, the complement: FBN1 is on the minus strand). VCF-style: chr15-48497308-T-G. GRCh37 (hg19) VCF-style: chr15-48789505-T-G.
Other names: c.2251A>C, p.Asn751His (NM_001406716.1); short protein forms N751H.
Identifiers: ClinVar variation 3386840 (VCV003386840.3).
Genomic context (GRCh38, chr15:48,497,308, plus strand): 5'-ATGGGTAAAACTTCTCACCAACGCAGTTTTTCCCAGTTGAATCCACTTCATATCCTGAAT[T>G]GCATATACATTTATAGGTCCCACGAAGGTTTTCACAGATTCCATTTGGGCAAATATCAGG-3'
Protein context (NP_000129.3, residues 741-761): NLRGTYKCIC[Asn751His]SGYEVDSTGK